The following is an entry in ClinVar:

NM_003978.5(PSTPIP1):c.720G>T (p.Met240Ile)

Gene: PSTPIP1 (proline-serine-threonine phosphatase interacting protein 1; plus strand). Cytogenetic location: 15q24.3.
Variant type: single nucleotide variant.
Coding change: c.720G>T on transcript NM_003978.5 (MANE Select); coding-DNA position 720, G replaced by T.
Protein change: p.Met240Ile; replaces methionine 240 with isoleucine.
Molecular consequence: missense variant. On other transcripts: non-coding transcript variant (1).
Genome position (GRCh38, 1-based): chr15:77,031,257, G>T. VCF-style: chr15-77031257-G-T. GRCh37 (hg19) VCF-style: chr15-77323598-G-T.
Other names: c.720G>T, p.Met240Ile (NM_001321135.2, NM_001411086.1); c.693G>T, p.Met231Ile (NM_001321136.2); c.915G>T, p.Met305Ile (NM_001321137.1); short protein forms M231I, M240I, M305I.
Identifiers: ClinVar variation 2662896 (VCV002662896.1), dbSNP rs773651879, ClinGen allele CA393520969.

ClinVar aggregate classification (germline): Uncertain significance (1 of 4 stars; one submission).

gnomAD v4.1: 1 of 1,612,956 alleles (0.000062%); highest among the groups gnomAD compares: Non-Finnish European, 0.000085%; no homozygotes.

Submission:

GeneDx
Classification: Uncertain significance. Last evaluated: 2023-04-21. Review status: criteria provided, single submitter. Criteria: GeneDx Variant Classification Process June 2021. Collection method: clinical testing. Allele origin: germline. Affected: yes.
Comment: Not observed at significant frequency in large population cohorts (gnomAD); In silico analysis supports that this missense variant does not alter protein structure/function; Has not been previously published as pathogenic or benign to our knowledge